The following is an entry in ClinVar:

NM_020937.4(FANCM):c.5017T>G (p.Ser1673Ala)

Gene: FANCM (FA complementation group M; plus strand). Cytogenetic location: 14q21.2.
Variant type: single nucleotide variant.
Coding change: c.5017T>G on transcript NM_020937.4 (MANE Select); coding-DNA position 5017, T replaced by G.
Protein change: p.Ser1673Ala; replaces serine 1673 with alanine.
Molecular consequence: missense variant.
Genome position (GRCh38, 1-based): chr14:45,189,039, T>G. VCF-style: chr14-45189039-T-G. GRCh37 (hg19) VCF-style: chr14-45658242-T-G.
Other names: c.4939T>G, p.Ser1647Ala (NM_001308133.2); short protein forms S1647A, S1673A.
Identifiers: ClinVar variation 4022720 (VCV004022720.1).

ClinVar aggregate classification (germline): Uncertain significance (1 of 4 stars; one submission).

Conditions:
Inborn genetic diseases. Identifiers: MedGen C0950123, MeSH D030342.

gnomAD v4.1: 1 of 1,614,054 alleles (0.000062%); highest among the groups gnomAD compares: Admixed American, 0.0017%; no homozygotes.

Submission:

Ambry Genetics
Classification: Uncertain significance for Inborn genetic diseases. Last evaluated: 2025-04-24. Review status: criteria provided, single submitter. Criteria: Ambry Variant Classification Scheme 2023. Collection method: clinical testing. Allele origin: germline.
Comment: The p.S1673A variant (also known as c.5017T>G), located in coding exon 20 of the FANCM gene, results from a T to G substitution at nucleotide position 5017. The serine at codon 1673 is replaced by alanine, an amino acid with similar properties. This amino acid position is conserved. In addition, this alteration is predicted to be tolerated by in silico analysis. Based on the available evidence, the clinical significance of this variant remains unclear.